The following is an entry in ClinVar:

NM_005562.3(LAMC2):c.1637C>A (p.Ala546Asp)

Gene: LAMC2 (laminin subunit gamma 2; plus strand). Cytogenetic location: 1q25.3.
Variant type: single nucleotide variant.
Coding change: c.1637C>A on transcript NM_005562.3 (MANE Select); coding-DNA position 1637, C replaced by A.
Protein change: p.Ala546Asp; replaces alanine 546 with aspartic acid.
Molecular consequence: missense variant.
Genome position (GRCh38, 1-based): chr1:183,228,542, C>A. VCF-style: chr1-183228542-C-A. GRCh37 (hg19) VCF-style: chr1-183197677-C-A.
Other names: c.1637C>A, p.Ala546Asp (NM_018891.3); short protein forms A546D.
Identifiers: ClinVar variation 294005 (VCV000294005.44), dbSNP rs140949383, ClinGen allele CA1282679.

ClinVar aggregate classification (germline): Conflicting classifications of pathogenicity. Review status: criteria provided, conflicting classifications (1 of 4 stars). 7 submissions from 7 submitters: Uncertain significance (2); Likely benign (4). 1 of the submissions does not count toward it. Last evaluated 2026-01-28.

Conditions:
Junctional epidermolysis bullosa gravis of Herlitz. Also called: Epidermolysis Bullosa Letalis; EPIDERMOLYSIS BULLOSA, JUNCTIONAL 1B, SEVERE; EPIDERMOLYSIS BULLOSA JUNCTIONALIS, HERLITZ TYPE; EPIDERMOLYSIS BULLOSA, JUNCTIONAL, HERLITZ-PEARSON TYPE; JEB-HERLITZ TYPE; Herlitz-type junctional epidermolysis bullosa. Identifiers: Orphanet 79404, MedGen C0079683, MONDO:0009182, OMIM 226700.
Epidermolysis bullosa, junctional 3A, intermediate. Also called: EPIDERMOLYSIS BULLOSA, JUNCTIONAL 3A, GENERALIZED INTERMEDIATE; EPIDERMOLYSIS BULLOSA, JUNCTIONAL 3A, NON-HERLITZ TYPE. Identifiers: MedGen C5676938, MONDO:0030748, OMIM 619785.
Epidermolysis bullosa, junctional 3B, severe. Also called: EPIDERMOLYSIS BULLOSA, JUNCTIONAL 3B, GENERALIZED SEVERE; EPIDERMOLYSIS BULLOSA, JUNCTIONAL 3B, HERLITZ TYPE. Identifiers: MedGen C5676939, MONDO:0030749, OMIM 619786.
LAMC2-related disorder. Also called: LAMC2-related condition.
Junctional epidermolysis bullosa. Identifiers: Orphanet 305, MedGen C0079301, MONDO:0017612.

Allele frequency attached by ClinVar (database versions not stated): ExAC 0.00158; ESP Exome Variant Server 0.00161; gnomAD exomes 0.00177; TOPMed 0.00206; 1000 Genomes Project 0.00220.
gnomAD v4.1: 4,734 of 1,613,936 alleles (0.29%); highest among the groups gnomAD compares: Non-Finnish European, 0.36%; 7 homozygotes.

Submissions (7):

Labcorp Genetics (formerly Invitae), Labcorp
Classification: Likely benign. Last evaluated: 2026-01-28. Review status: criteria provided, single submitter. Criteria: Invitae Variant Classification Sherloc (09022015). Collection method: clinical testing. Allele origin: germline.

Blueprint Genetics
Classification: Likely benign. Last evaluated: 2024-11-23. Review status: criteria provided, single submitter. Criteria: ACMG Guidelines, 2015. Collection method: clinical testing. Allele origin: germline.

CeGaT Center for Human Genetics Tuebingen
Classification: Likely benign. Last evaluated: 2022-07-01. Review status: criteria provided, single submitter. Criteria: CeGaT Center For Human Genetics Tuebingen Variant Classification Criteria Version 2. Collection method: clinical testing. Allele origin: germline. Affected: yes. Observed: 1 variant allele.
Comment: LAMC2: BP4, BS2

Genome-Nilou Lab
Classification: Likely benign for Junctional epidermolysis bullosa gravis of Herlitz. Last evaluated: 2021-05-18. Review status: criteria provided, single submitter. Criteria: ACMG Guidelines, 2015. Collection method: clinical testing. Allele origin: germline. Affected: no.

Department of Pathology and Laboratory Medicine, Sinai Health System
Classification: Uncertain significance for Junctional epidermolysis bullosa gravis of Herlitz; Epidermolysis bullosa, junctional 3A, intermediate; Epidermolysis bullosa, junctional 3B, severe. Last evaluated: 2020-05-07. Review status: criteria provided, single submitter. Criteria: ACMG Guidelines, 2015. Collection method: research. Allele origin: germline.

Illumina Laboratory Services, Illumina
Classification: Uncertain significance for Junctional epidermolysis bullosa. Last evaluated: 2018-01-13. Review status: criteria provided, single submitter. Criteria: ICSL Variant Classification Criteria 13 December 2019. Collection method: clinical testing. Allele origin: germline.

PreventionGenetics, part of Exact Sciences
Classification: Likely benign for LAMC2-related condition. Last evaluated: 2020-10-15. Review status: no assertion criteria provided. Collection method: clinical testing. Allele origin: germline. Not counted in ClinVar's aggregate classification.
Comment: This variant is classified as likely benign based on ACMG/AMP sequence variant interpretation guidelines (Richards et al. 2015 PMID: 25741868, with internal and published modifications).